The following is an entry in ClinVar:

NM_000256.3(MYBPC3):c.2678del (p.Pro893fs)

Gene: MYBPC3 (myosin binding protein C3; minus strand). Cytogenetic location: 11p11.2.
Variant type: Deletion.
Coding change: c.2678del on transcript NM_000256.3 (MANE Select); coding-DNA position 2678, one base deleted (C; older notation c.2678delC).
Protein change: p.Pro893fs; shifts the reading frame from proline 893.
Molecular consequence: frameshift variant.
Genome position (GRCh38, 1-based): chr11:47,335,936, G deleted on the plus strand (C on the coding strand, the reverse complement: MYBPC3 is on the minus strand); the first of 5 consecutive G bases (chr11:47,335,936-47,335,940); deleting any one gives the same sequence. VCF-style (leftmost placement, unchanged base first): chr11-47335935-TG-T. GRCh37 (hg19) VCF-style: chr11-47357486-TG-T.
Other names: short protein forms P893fs.
Identifiers: ClinVar variation 2584336 (VCV002584336.2), dbSNP rs1247143185, ClinGen allele CA599058149.

ClinVar aggregate classification (germline): Pathogenic. Review status: criteria provided, multiple submitters, no conflicts (2 of 4 stars). 2 submissions from 2 submitters: Pathogenic (2). Last evaluated 2025-07-02.

Conditions:
Hypertrophic cardiomyopathy. Also called: HYPERTROPHIC MYOCARDIOPATHY. Identifiers: Orphanet 217569, MedGen C0007194, MeSH D002312, MONDO:0005045, HP:0001639.
Hypertrophic cardiomyopathy 4. Also called: Familial hypertrophic cardiomyopathy 4. Identifiers: MedGen C1861862, MONDO:0007268, OMIM 115197.

Submissions (2):

Labcorp Genetics (formerly Invitae), Labcorp
Classification: Pathogenic for Hypertrophic cardiomyopathy. Last evaluated: 2025-07-02. Review status: criteria provided, single submitter. Criteria: Invitae Variant Classification Sherloc (09022015). Collection method: clinical testing. Allele origin: germline.
Comment: This sequence change creates a premature translational stop signal (p.Pro893Glnfs*31) in the MYBPC3 gene. It is expected to result in an absent or disrupted protein product. Loss-of-function variants in MYBPC3 are known to be pathogenic (PMID: 19574547). The frequency data for this variant in the population databases is considered unreliable, as metrics indicate poor data quality at this position in the gnomAD database. This premature translational stop signal has been observed in individual(s) with hypertrophic cardiomyopathy (PMID: 32815737). ClinVar contains an entry for this variant (Variation ID: 2584336). For these reasons, this variant has been classified as Pathogenic.

Institute of Human Genetics Munich, TUM University Hospital
Classification: Pathogenic for Hypertrophic cardiomyopathy 4. Last evaluated: 2023-02-01. Review status: criteria provided, single submitter. Criteria: Classification criteria August 2017. Collection method: clinical testing. Allele origin: germline. Inheritance: Autosomal dominant inheritance. Affected: yes. Observed: 1 variant allele.

Literature cited by the submitters: PubMed 19574547 (cited by Labcorp Genetics (formerly Invitae), Labcorp); PubMed 32815737 (cited by Labcorp Genetics (formerly Invitae), Labcorp).